The following is an entry in ClinVar:

NM_024675.4(PALB2):c.2514+8C>T

Gene: PALB2 (partner and localizer of BRCA2; minus strand). Cytogenetic location: 16p12.2.
Variant type: single nucleotide variant.
Coding change: c.2514+8C>T on transcript NM_024675.4 (MANE Select); 8 bases into the intron after coding-DNA position 2514, C replaced by T.
Molecular consequence: intron variant.
Genome position (GRCh38, 1-based): chr16:23,629,632, G>A on the plus strand (C>T on the coding strand, the complement: PALB2 is on the minus strand). VCF-style: chr16-23629632-G-A. GRCh37 (hg19) VCF-style: chr16-23640953-G-A.
Identifiers: ClinVar variation 415980 (VCV000415980.16), dbSNP rs1060504706, ClinGen allele CA16614865.

ClinVar aggregate classification (germline): Conflicting classifications of pathogenicity. Review status: criteria provided, conflicting classifications (1 of 4 stars). 5 submissions from 5 submitters: Uncertain significance (1); Likely benign (3). 1 of the submissions does not count toward it. Last evaluated 2025-11-18.

Conditions:
PALB2-related disorder. Also called: PALB2-related condition; PALB2-related disorders.
Familial cancer of breast. Also called: Hereditary breast cancer; BREAST CANCER, FAMILIAL; hereditary breast carcinoma. Identifiers: Orphanet 227535, MedGen C0346153, MONDO:0016419, OMIM 114480. Disease mechanism: loss of function.
Hereditary cancer-predisposing syndrome. Also called: Tumor predisposition; Neoplastic Syndromes, Hereditary; Hereditary neoplastic syndrome; Hereditary Cancer Syndrome. Identifiers: Orphanet 140162, MedGen C0027672, MeSH D009386, MONDO:0015356.

Allele frequency attached by ClinVar (database versions not stated): gnomAD exomes below 0.00001; gnomAD 0.00001; TOPMed 0.00002.
gnomAD v4.1: 8 of 1,612,526 alleles (0.0005%); highest among the groups gnomAD compares: African/African-American, 0.0013%; no homozygotes.

Submissions (5):

Labcorp Genetics (formerly Invitae), Labcorp
Classification: Likely benign for Familial cancer of breast. Last evaluated: 2025-11-18. Review status: criteria provided, single submitter. Criteria: Invitae Variant Classification Sherloc (09022015). Collection method: clinical testing. Allele origin: germline.

Quest Diagnostics Nichols Institute San Juan Capistrano
Classification: Likely benign. Last evaluated: 2025-07-25. Review status: criteria provided, single submitter. Criteria: Quest Diagnostics criteria. Collection method: clinical testing. Allele origin: unknown.

Myriad Genetics, Inc.
Classification: Likely benign for Familial cancer of breast. Last evaluated: 2025-01-16. Review status: criteria provided, single submitter. Criteria: Myriad Autosomal Dominant, Autosomal Recessive and X-Linked Classification Criteria (2023). Collection method: clinical testing. Allele origin: unknown.
Comment: This variant is considered likely benign. This variant is intronic and is not expected to impact mRNA splicing.

Ambry Genetics
Classification: Uncertain significance for Hereditary cancer-predisposing syndrome. Last evaluated: 2017-01-17. Review status: criteria provided, single submitter. Criteria: Ambry Variant Classification Scheme 2023. Collection method: clinical testing. Allele origin: germline.
Comment: The c.2514+8C>T intronic alteration consists of a C to T substitution nucleotides after coding exon 5 in the PALB2 gene. Based on insufficient or conflicting evidence, the clinical significance of this alteration remains unclear.

PreventionGenetics, part of Exact Sciences
Classification: Likely benign for PALB2-related condition. Last evaluated: 2024-03-05. Review status: no assertion criteria provided. Collection method: clinical testing. Allele origin: germline. Not counted in ClinVar's aggregate classification.
Comment: This variant is classified as likely benign based on ACMG/AMP sequence variant interpretation guidelines (Richards et al. 2015 PMID: 25741868, with internal and published modifications).